The following is an entry in ClinVar:

NM_025074.7(FRAS1):c.524G>A (p.Ser175Asn)

Gene: FRAS1 (Fraser extracellular matrix complex subunit 1; plus strand). Cytogenetic location: 4q21.21.
Variant type: single nucleotide variant.
Coding change: c.524G>A on transcript NM_025074.7 (MANE Select); coding-DNA position 524, G replaced by A.
Protein change: p.Ser175Asn; replaces serine 175 with asparagine.
Molecular consequence: missense variant.
Genome position (GRCh38, 1-based): chr4:78,255,296, G>A. VCF-style: chr4-78255296-G-A. GRCh37 (hg19) VCF-style: chr4-79176450-G-A.
Other names: c.524G>A, p.Ser175Asn (NM_001166133.2); short protein forms S175N.
Identifiers: ClinVar variation 349661 (VCV000349661.12), dbSNP rs772288910, ClinGen allele CA2975979.
Genomic context (GRCh38, chr4:78,255,296, plus strand): 5'-TTCCAGAACCCTGTTCCTATGAAGGCCATGTGTTTCAGGATGGGGAGGACTGGCGGCTGA[G>A]CCGGTGTGCCAAATGTCTGTGTAGAAATGGGGTTGCCCAGTGCTTCACAGCTCAGTGTCA-3'
Protein context (NP_079350.5, residues 165-185): VFQDGEDWRL[Ser175Asn]RCAKCLCRNG

ClinVar aggregate classification (germline): Uncertain significance. Review status: criteria provided, multiple submitters, no conflicts (2 of 4 stars). 4 submissions from 4 submitters: Uncertain significance (4). Last evaluated 2025-11-07.

Conditions:
Inborn genetic diseases. Identifiers: MedGen C0950123, MeSH D030342.
Fraser syndrome 1 (FRASRS1). Also called: CRYPTOPHTHALMOS WITH OTHER MALFORMATIONS. Identifiers: Orphanet 2052, MedGen C4551480, MONDO:0054737, OMIM 219000.

Allele frequency attached by ClinVar (database versions not stated): gnomAD exomes 0.00005 and 0.00018; gnomAD 0.00007; TOPMed 0.00009; ExAC 0.00012.
gnomAD v4.1: 261 of 1,559,366 alleles (0.017%); highest among the groups gnomAD compares: Non-Finnish European, 0.022%; no homozygotes.

Submissions (4):

Ambry Genetics
Classification: Uncertain significance for Inborn genetic diseases. Last evaluated: 2025-11-07. Review status: criteria provided, single submitter. Criteria: Ambry Variant Classification Scheme 2023. Collection method: clinical testing. Allele origin: germline.

Fulgent Genetics
Classification: Uncertain significance for Fraser syndrome 1. Last evaluated: 2024-05-16. Review status: criteria provided, single submitter. Criteria: ACMG Guidelines, 2015. Collection method: clinical testing. Allele origin: germline.

Labcorp Genetics (formerly Invitae), Labcorp
Classification: Uncertain significance. Last evaluated: 2021-09-17. Review status: criteria provided, single submitter. Criteria: Invitae Variant Classification Sherloc (09022015). Collection method: clinical testing. Allele origin: germline.
Comment: This sequence change replaces serine with asparagine at codon 175 of the FRAS1 protein (p.Ser175Asn). The serine residue is highly conserved and there is a small physicochemical difference between serine and asparagine. This variant is present in population databases (rs772288910, ExAC 0.03%). This variant has not been reported in the literature in individuals affected with FRAS1-related conditions. ClinVar contains an entry for this variant (Variation ID: 349661). Algorithms developed to predict the effect of missense changes on protein structure and function are either unavailable or do not agree on the potential impact of this missense change (SIFT: "Tolerated"; PolyPhen-2: "Probably Damaging"; Align-GVGD: "Class C0"). In summary, the available evidence is currently insufficient to determine the role of this variant in disease. Therefore, it has been classified as a Variant of Uncertain Significance.

Illumina Laboratory Services, Illumina
Classification: Uncertain significance for Fraser syndrome 1. Last evaluated: 2018-01-13. Review status: criteria provided, single submitter. Criteria: ICSL Variant Classification Criteria 13 December 2019. Collection method: clinical testing. Allele origin: germline.